The following is an entry in ClinVar:

ClinVar aggregate classification (germline): Uncertain significance (1 of 4 stars; one submission).

Conditions:
Congenital hypotonia, epilepsy, developmental delay, and digital anomalies (CHEDDA). Also called: ATN1-Related Neurodevelopmental Disorder. Identifiers: MedGen C5193125, MONDO:0032781, OMIM 618494.

Submission:

Victorian Clinical Genetics Services, Murdoch Childrens Research Institute
Classification: Uncertain significance for Congenital hypotonia, epilepsy, developmental delay, and digital anomalies. Last evaluated: 2026-06-12. Review status: criteria provided, single submitter. Criteria: ACMG Guidelines, 2015. Collection method: clinical testing. Allele origin: germline. Affected: yes.
Comment: This variant is classified as VUS-3A. Evidence in support of pathogenic classification: Variant is absent from gnomAD (v2, v3 and v4); Missense variant predicted to be damaging by in silico tool(s) or highly conserved with a major amino acid change; Additional information: Variant is predicted to result in a missense amino acid change from Cys to Tyr; This variant is heterozygous; This gene is associated with autosomal dominant disease; This variant has no previous evidence of pathogenicity; No published evidence of segregation with disease has been identified for this variant; No published functional evidence has been identified for this variant; No comparable missense variants have previous evidence for pathogenicity; Variant is located in the annotated atrophin-1 domain (DECIPHER). This variant is NOT located in the HX motif wherein the vast majority of pathogenic variants have been described (PMIDs: 30827498, 34212383). - The mechanism of disease for this gene is not clearly established.

Literature cited by the submitters: PubMed 34212383; PubMed 30827498.

NM_001940.4(ATN1):c.2330G>A (p.Cys777Tyr)

Gene: ATN1 (atrophin 1; plus strand). Cytogenetic location: 12p13.31.
Variant type: single nucleotide variant.
Coding change: c.2330G>A on transcript NM_001940.4 (MANE Select); coding-DNA position 2330, G replaced by A.
Protein change: p.Cys777Tyr; replaces cysteine 777 with tyrosine.
Molecular consequence: missense variant.
Genome position (GRCh38, 1-based): chr12:6,937,880, G>A. VCF-style: chr12-6937880-G-A. GRCh37 (hg19) VCF-style: chr12-7047043-G-A.
Other names: c.2330G>A, p.Cys777Tyr (NM_001007026.2, NM_001424176.1, NM_001424177.1 and 1 more transcripts); c.2327G>A, p.Cys776Tyr (NM_001424179.1, NM_001424180.1); short protein forms C776Y, C777Y.
Identifiers: ClinVar variation 4879571 (VCV004879571.1).